The following is an entry in ClinVar:

NM_006618.5(KDM5B):c.2807A>T (p.Asp936Val)

Gene: KDM5B (lysine demethylase 5B; minus strand). Cytogenetic location: 1q32.1.
Variant type: single nucleotide variant.
Coding change: c.2807A>T on transcript NM_006618.5 (MANE Select); coding-DNA position 2807, A replaced by T.
Protein change: p.Asp936Val; replaces aspartic acid 936 with valine.
Molecular consequence: missense variant.
Genome position (GRCh38, 1-based): chr1:202,741,505, T>A on the plus strand (A>T on the coding strand, the complement: KDM5B is on the minus strand). VCF-style: chr1-202741505-T-A. GRCh37 (hg19) VCF-style: chr1-202710633-T-A.
Other names: c.2915A>T, p.Asp972Val (NM_001314042.2); c.2672A>T, p.Asp891Val (NM_001347591.2); c.2792A>T, p.Asp931Val (NM_001399817.1); short protein forms D936V, D891V, D972V, D931V.
Identifiers: ClinVar variation 1029059 (VCV001029059.2), dbSNP rs1655336497, ClinGen allele CA344264887.

ClinVar aggregate classification (germline): Uncertain significance (1 of 4 stars; one submission).

Conditions:
Intellectual developmental disorder, autosomal recessive 65. Also called: Intellectual disability, autosomal recessive 65; MENTAL RETARDATION, AUTOSOMAL RECESSIVE 65. Identifiers: MedGen C4748219, MONDO:0020850, OMIM 618109.

Submission:

Baylor Genetics
Classification: Uncertain significance for Intellectual developmental disorder, autosomal recessive 65. Last evaluated: 2019-08-22. Review status: criteria provided, single submitter. Criteria: ACMG Guidelines, 2015. Collection method: clinical testing. Allele origin: de novo. Affected: yes.
Comment: This variant was determined to be of uncertain significance according to ACMG Guidelines, 2015 [PMID:25741868].